The following is an entry in ClinVar:

NM_001195263.2(PDZD7):c.1697A>G (p.Gln566Arg)

Gene: PDZD7 (PDZ domain containing 7; minus strand). Cytogenetic location: 10q24.31.
Variant type: single nucleotide variant.
Coding change: c.1697A>G on transcript NM_001195263.2 (MANE Select); coding-DNA position 1697, A replaced by G.
Protein change: p.Gln566Arg; replaces glutamine 566 with arginine.
Molecular consequence: missense variant.
Genome position (GRCh38, 1-based): chr10:101,015,688, T>C on the plus strand (A>G on the coding strand, the complement: PDZD7 is on the minus strand). VCF-style: chr10-101015688-T-C. GRCh37 (hg19) VCF-style: chr10-102775445-T-C.
Other names: short protein forms Q566R.
Identifiers: ClinVar variation 2111992 (VCV002111992.4), dbSNP rs2492822354, ClinGen allele CA378226884.

ClinVar aggregate classification (germline): Uncertain significance (1 of 4 stars; one submission).

Allele frequency attached by ClinVar (database versions not stated): gnomAD exomes 0.00001.
gnomAD v4.1: 7 of 1,550,456 alleles (0.00045%); highest among the groups gnomAD compares: Non-Finnish European, 0.00061%; no homozygotes.

Submission:

Labcorp Genetics (formerly Invitae), Labcorp
Classification: Uncertain significance. Last evaluated: 2022-03-14. Review status: criteria provided, single submitter. Criteria: Invitae Variant Classification Sherloc (09022015). Collection method: clinical testing. Allele origin: germline.
Comment: In summary, the available evidence is currently insufficient to determine the role of this variant in disease. Therefore, it has been classified as a Variant of Uncertain Significance. Algorithms developed to predict the effect of missense changes on protein structure and function output the following: SIFT: "Deleterious"; PolyPhen-2: "Not Available"; Align-GVGD: "Class C0". The arginine amino acid residue is found in multiple mammalian species, which suggests that this missense change does not adversely affect protein function. This variant has not been reported in the literature in individuals affected with PDZD7-related conditions. This variant is not present in population databases (gnomAD no frequency). This sequence change replaces glutamine, which is neutral and polar, with arginine, which is basic and polar, at codon 566 of the PDZD7 protein (p.Gln566Arg).